The following is an entry in ClinVar:

ClinVar aggregate classification (germline): Uncertain significance (1 of 4 stars; one submission).

Allele frequency attached by ClinVar (database versions not stated): gnomAD exomes 0.00001; TOPMed 0.00002.
gnomAD v4.1: 15 of 1,611,960 alleles (0.00093%); highest among the groups gnomAD compares: East Asian, 0.0045%; no homozygotes.

Submission:

Labcorp Genetics (formerly Invitae), Labcorp
Classification: Uncertain significance. Last evaluated: 2024-01-17. Review status: criteria provided, single submitter. Criteria: Invitae Variant Classification Sherloc (09022015). Collection method: clinical testing. Allele origin: germline.
Comment: This sequence change replaces arginine, which is basic and polar, with histidine, which is basic and polar, at codon 522 of the ZNF408 protein (p.Arg522His). This variant is present in population databases (no rsID available, gnomAD 0.003%). This variant has not been reported in the literature in individuals affected with ZNF408-related conditions. ClinVar contains an entry for this variant (Variation ID: 1347613). An algorithm developed to predict the effect of missense changes on protein structure and function (PolyPhen-2) suggests that this variant is likely to be disruptive. In summary, the available evidence is currently insufficient to determine the role of this variant in disease. Therefore, it has been classified as a Variant of Uncertain Significance.

NM_024741.3(ZNF408):c.1565G>A (p.Arg522His)

Gene: ZNF408 (zinc finger protein 408; plus strand). Cytogenetic location: 11p11.2.
Variant type: single nucleotide variant.
Coding change: c.1565G>A on transcript NM_024741.3 (MANE Select); coding-DNA position 1565, G replaced by A.
Protein change: p.Arg522His; replaces arginine 522 with histidine.
Molecular consequence: missense variant.
Genome position (GRCh38, 1-based): chr11:46,705,265, G>A. VCF-style: chr11-46705265-G-A. GRCh37 (hg19) VCF-style: chr11-46726815-G-A.
Other names: c.1541G>A, p.Arg514His (NM_001184751.2); short protein forms R522H, R514H.
Identifiers: ClinVar variation 1347613 (VCV001347613.6), dbSNP rs971021664, ClinGen allele CA221634027.
Genomic context (GRCh38, chr11:46,705,265, plus strand): 5'-GCCGGGCGTTTCGTCAGCGGGGCAACCTGCGTGGGCATTTGCGGCTCCACACCGGGGAGC[G>A]TCCTTACCGCTGCCCACACTGTGCCGATGCCTTCCCCCAGCTGCCTGAACTGCGGCGCCA-3'
Protein context (NP_079017.1, residues 512-532): RGHLRLHTGE[Arg522His]PYRCPHCADA